The following is an entry in ClinVar:

ClinVar aggregate classification (germline): Uncertain significance. Review status: criteria provided, multiple submitters, no conflicts (2 of 4 stars). 2 submissions from 2 submitters: Uncertain significance (2). Last evaluated 2025-10-30.

Conditions:
Hereditary cancer-predisposing syndrome. Also called: Neoplastic Syndromes, Hereditary; Tumor predisposition; Hereditary Cancer Syndrome; Hereditary neoplastic syndrome. Identifiers: Orphanet 140162, MedGen C0027672, MeSH D009386, MONDO:0015356.
Gastrointestinal stromal tumor. Also called: Gastrointestinal stromal tumor, somatic; Gastrointestinal stroma tumor. Identifiers: Orphanet 44890, MedGen C0238198, MeSH D046152, MONDO:0011719, OMIM 606764, HP:0100723.

gnomAD v4.1: 5 of 1,614,086 alleles (0.00031%); highest among the groups gnomAD compares: Non-Finnish European, 0.00042%; no homozygotes.

Submissions (2):

Ambry Genetics
Classification: Uncertain significance for Hereditary cancer-predisposing syndrome. Last evaluated: 2025-10-30. Review status: criteria provided, single submitter. Criteria: Ambry Variant Classification Scheme 2023. Collection method: clinical testing. Allele origin: germline.
Comment: The p.V643A variant (also known as c.1928T>C), located in coding exon 13 of the KIT gene, results from a T to C substitution at nucleotide position 1928. The valine at codon 643 is replaced by alanine, an amino acid with similar properties. This amino acid position is highly conserved in available vertebrate species. In addition, this alteration is predicted to be deleterious by in silico analysis. Based on the available evidence, the clinical significance of this variant remains unclear.

Labcorp Genetics (formerly Invitae), Labcorp
Classification: Uncertain significance for Gastrointestinal stromal tumor. Last evaluated: 2024-04-24. Review status: criteria provided, single submitter. Criteria: Invitae Variant Classification Sherloc (09022015). Collection method: clinical testing. Allele origin: germline.
Comment: This sequence change replaces valine, which is neutral and non-polar, with alanine, which is neutral and non-polar, at codon 643 of the KIT protein (p.Val643Ala). This variant is not present in population databases (gnomAD no frequency). This variant has not been reported in the literature in individuals affected with KIT-related conditions. An algorithm developed to predict the effect of missense changes on protein structure and function (PolyPhen-2) suggests that this variant is likely to be disruptive. In summary, the available evidence is currently insufficient to determine the role of this variant in disease. Therefore, it has been classified as a Variant of Uncertain Significance.

NM_000222.3(KIT):c.1928T>C (p.Val643Ala)

Gene: KIT (KIT proto-oncogene, receptor tyrosine kinase; plus strand). Cytogenetic location: 4q12.
Variant type: single nucleotide variant.
Coding change: c.1928T>C on transcript NM_000222.3 (MANE Select); coding-DNA position 1928, T replaced by C.
Protein change: p.Val643Ala; replaces valine 643 with alanine.
Molecular consequence: missense variant.
Genome position (GRCh38, 1-based): chr4:54,728,059, T>C. VCF-style: chr4-54728059-T-C. GRCh37 (hg19) VCF-style: chr4-55594225-T-C.
Other names: c.1916T>C, p.Val639Ala (NM_001093772.2, NM_001385286.1); c.1931T>C, p.Val644Ala (NM_001385284.1, NM_001385290.1); c.1928T>C, p.Val643Ala (NM_001385285.1); c.1919T>C, p.Val640Ala (NM_001385288.1, NM_001385292.1); short protein forms V644A, V639A, V640A, V643A.
Identifiers: ClinVar variation 3650678 (VCV003650678.2).